The following is an entry in ClinVar:

NM_001142800.2(EYS):c.3380A>T (p.Asn1127Ile)

Gene: EYS (eyes shut homolog; minus strand). Cytogenetic location: 6q12.
Variant type: single nucleotide variant.
Coding change: c.3380A>T on transcript NM_001142800.2 (MANE Select); coding-DNA position 3380, A replaced by T.
Protein change: p.Asn1127Ile; replaces asparagine 1127 with isoleucine.
Molecular consequence: missense variant.
Genome position (GRCh38, 1-based): chr6:64,813,441, T>A on the plus strand (A>T on the coding strand, the complement: EYS is on the minus strand). VCF-style: chr6-64813441-T-A. GRCh37 (hg19) VCF-style: chr6-65523334-T-A.
Other names: c.3380A>T, p.Asn1127Ile (NM_001292009.2); short protein forms N1127I.
Identifiers: ClinVar variation 2124356 (VCV002124356.1), dbSNP rs779510375, ClinGen allele CA364786803.
Genomic context (GRCh38, chr6:64,813,441, plus strand): 5'-CAGTCAAAAGTATGTCCAGGCCCATCAACACAGATCCCTCCATTAAGACAGATGACTGAA[T>A]TAAGTTCAGGCTCAGCACAATTATCAATGCTTTTTTCACAGTATGCACCAGTGTATCCAC-3'
Protein context (NP_001136272.1, residues 1117-1137): SIDNCAEPEL[Asn1127Ile]SVICLNGGIC

ClinVar aggregate classification (germline): Uncertain significance (1 of 4 stars; one submission).

gnomAD v4.1: 2 of 1,550,490 alleles (0.00013%); highest among the groups gnomAD compares: South Asian, 0.0012%; no homozygotes.

Submission:

Labcorp Genetics (formerly Invitae), Labcorp
Classification: Uncertain significance. Last evaluated: 2022-04-10. Review status: criteria provided, single submitter. Criteria: Invitae Variant Classification Sherloc (09022015). Collection method: clinical testing. Allele origin: germline.
Comment: This sequence change replaces asparagine, which is neutral and polar, with isoleucine, which is neutral and non-polar, at codon 1127 of the EYS protein (p.Asn1127Ile). This variant is present in population databases (no rsID available, gnomAD 0.004%). This variant has not been reported in the literature in individuals affected with EYS-related conditions. Algorithms developed to predict the effect of missense changes on protein structure and function are either unavailable or do not agree on the potential impact of this missense change (SIFT: "Deleterious"; PolyPhen-2: "Benign"; Align-GVGD: "Class C0"). In summary, the available evidence is currently insufficient to determine the role of this variant in disease. Therefore, it has been classified as a Variant of Uncertain Significance.